The following is an entry in ClinVar:

NM_003737.4(DCHS1):c.7257C>T (p.Ala2419=)

Gene: DCHS1 (dachsous cadherin-related 1; minus strand). Cytogenetic location: 11p15.4.
Variant type: single nucleotide variant.
Coding change: c.7257C>T on transcript NM_003737.4 (MANE Select); coding-DNA position 7257, C replaced by T.
Protein change: p.Ala2419=; no amino-acid change (alanine 2419 retained).
Molecular consequence: synonymous variant.
Genome position (GRCh38, 1-based): chr11:6,624,758, G>A on the plus strand (C>T on the coding strand, the complement: DCHS1 is on the minus strand). VCF-style: chr11-6624758-G-A. GRCh37 (hg19) VCF-style: chr11-6645989-G-A.
Identifiers: ClinVar variation 738886 (VCV000738886.10), dbSNP rs373710080, ClinGen allele CA5859647.

ClinVar aggregate classification (germline): Likely benign. Review status: criteria provided, single submitter (1 of 4 stars). 2 submissions from 2 submitters: Likely benign (1). 1 of the submissions does not count toward it. Last evaluated 2025-06-19.

Conditions:
DCHS1-related disorder. Also called: DCHS1-related condition.

Allele frequency attached by ClinVar (database versions not stated): gnomAD exomes 0.00002 and 0.00005; gnomAD 0.00004 and 0.00005; ExAC 0.00005; ESP Exome Variant Server 0.00008; TOPMed 0.00008.
gnomAD v4.1: 41 of 1,613,896 alleles (0.0025%); highest among the groups gnomAD compares: East Asian, 0.02%; no homozygotes.

Submissions (2):

Labcorp Genetics (formerly Invitae), Labcorp
Classification: Likely benign. Last evaluated: 2025-06-19. Review status: criteria provided, single submitter. Criteria: Invitae Variant Classification Sherloc (09022015). Collection method: clinical testing. Allele origin: germline.

PreventionGenetics, part of Exact Sciences
Classification: Likely benign for DCHS1-related condition. Last evaluated: 2023-07-07. Review status: no assertion criteria provided. Collection method: clinical testing. Allele origin: germline. Not counted in ClinVar's aggregate classification.
Comment: This variant is classified as likely benign based on ACMG/AMP sequence variant interpretation guidelines (Richards et al. 2015 PMID: 25741868, with internal and published modifications).